The following is an entry in ClinVar:

NM_001605.3(AARS1):c.2536A>G (p.Lys846Glu)

Gene: AARS1 (alanyl-tRNA synthetase 1; minus strand). Cytogenetic location: 16q22.1.
Variant type: single nucleotide variant.
Coding change: c.2536A>G on transcript NM_001605.3 (MANE Select); coding-DNA position 2536, A replaced by G.
Protein change: p.Lys846Glu; replaces lysine 846 with glutamic acid.
Molecular consequence: missense variant.
Genome position (GRCh38, 1-based): chr16:70,253,785, T>C on the plus strand (A>G on the coding strand, the complement: AARS1 is on the minus strand). VCF-style: chr16-70253785-T-C. GRCh37 (hg19) VCF-style: chr16-70287688-T-C.
Other names: short protein forms K846E.
Identifiers: ClinVar variation 429270 (VCV000429270.2), dbSNP rs577885582, ClinGen allele CA283424097.

ClinVar aggregate classification (germline): Uncertain significance (1 of 4 stars; one submission).

Allele frequency attached by ClinVar (database versions not stated): gnomAD 0.00001 and 0.00003; gnomAD exomes 0.00001.

Submission:

GeneDx
Classification: Uncertain significance. Last evaluated: 2017-05-01. Review status: criteria provided, single submitter. Criteria: GeneDx Variant Classification (06012015). Collection method: clinical testing. Allele origin: germline. Affected: yes.
Comment: A variant of uncertain significance has been identified in the AARS gene. The K846E variant has not been published as a pathogenic variant, nor has it been reported as a benign variant to our knowledge. The K846E variant is not observed in large population cohorts (Lek et al., 2016; 1000 Genomes Consortium et al., 2015; Exome Variant Server). The K846E variant is a non-conservative amino acid substitution, which is likely to impact secondary protein structure as these residues differ in polarity, charge, size and/or other properties. However, this substitution occurs at a position that is not conserved. In silico analysis is inconsistent in its predictions as to whether or not the variant is damaging to the protein structure/function. Therefore, based on the currently available information, it is unclear whether this variant is a pathogenic variant or a rare benign variant.